The following is an entry in ClinVar:

NM_001010874.5(TECRL):c.833-1G>C

Gene: TECRL (trans-2,3-enoyl-CoA reductase like; minus strand). Cytogenetic location: 4q13.1.
Variant type: single nucleotide variant.
Coding change: c.833-1G>C on transcript NM_001010874.5 (MANE Select); the canonical splice acceptor site of the intron before coding-DNA position 833, G replaced by C.
Molecular consequence: splice acceptor variant.
Genome position (GRCh38, 1-based): chr4:64,281,560, C>G on the plus strand (G>C on the coding strand, the complement: TECRL is on the minus strand). VCF-style: chr4-64281560-C-G. GRCh37 (hg19) VCF-style: chr4-65147278-C-G.
Other names: c.833-1G>C (NM_001363796.1).
Identifiers: ClinVar variation 3232350 (VCV003232350.1), dbSNP rs763631876, ClinGen allele CA2935331.

ClinVar aggregate classification (germline): Likely pathogenic (1 of 4 stars; one submission).

Conditions:
Cardiovascular phenotype. Identifiers: MedGen CN230736.

Allele frequency attached by ClinVar (database versions not stated): gnomAD exomes below 0.00001; ExAC 0.00003.
gnomAD v4.1: 6 of 1,576,462 alleles (0.00038%); highest among the groups gnomAD compares: East Asian, 0.014%; no homozygotes.

Submission:

Ambry Genetics
Classification: Likely pathogenic for Cardiovascular phenotype. Last evaluated: 2023-12-15. Review status: criteria provided, single submitter. Criteria: Ambry Variant Classification Scheme 2023. Collection method: clinical testing. Allele origin: germline.
Comment: The c.833-1G>C intronic variant results from a G to C substitution one nucleotide upstream from coding exon 10 of the TECRL gene. This nucleotide position is highly conserved in available vertebrate species. In silico splice site analysis predicts that this alteration will weaken the native splice acceptor site. Alterations that disrupt the canonical splice site are expected to cause aberrant splicing, resulting in an abnormal protein or a transcript that is subject to nonsense-mediated mRNA decay. As such, this alteration is classified as likely pathogenic.